The following is an entry in ClinVar:

NM_000264.5(PTCH1):c.4043A>G (p.Asn1348Ser)

Gene: PTCH1 (patched 1; minus strand). Cytogenetic location: 9q22.32.
Variant type: single nucleotide variant.
Coding change: c.4043A>G on transcript NM_000264.5 (MANE Select); coding-DNA position 4043, A replaced by G.
Protein change: p.Asn1348Ser; replaces asparagine 1348 with serine.
Molecular consequence: missense variant. On other transcripts: non-coding transcript variant (1).
Genome position (GRCh38, 1-based): chr9:95,447,213, T>C on the plus strand (A>G on the coding strand, the complement: PTCH1 is on the minus strand). VCF-style: chr9-95447213-T-C. GRCh37 (hg19) VCF-style: chr9-98209495-T-C.
Other names: c.3845A>G, p.Asn1282Ser (NM_001083602.3); c.4040A>G, p.Asn1347Ser (NM_001083603.3); c.3590A>G, p.Asn1197Ser (NM_001083604.3, NM_001083605.3, NM_001083606.3 and 1 more transcripts); c.3887A>G, p.Asn1296Ser (NM_001354918.2); short protein forms N1282S, N1348S, N1197S, N1296S, N1347S.
Identifiers: ClinVar variation 220391 (VCV000220391.17), dbSNP rs371943557, ClinGen allele CA349324.

ClinVar aggregate classification (germline): Conflicting classifications of pathogenicity. Review status: criteria provided, conflicting classifications (1 of 4 stars). 5 submissions from 5 submitters: Uncertain significance (1); Likely benign (3). 1 of the submissions does not count toward it. Last evaluated 2025-12-06.

Conditions:
Holoprosencephaly 7 (HPE7). Identifiers: Orphanet 2162, MedGen C1835820, MONDO:0012562, OMIM 610828.
Gorlin syndrome. Also called: Nevoid Basal Cell Carcinoma Syndrome; Basal cell nevus syndrome. Identifiers: Orphanet 377, MedGen C0004779, MONDO:0007187.
Basal cell carcinoma, susceptibility to, 1. Also called: BCC1. Identifiers: MedGen C2751544, MONDO:0011556, OMIM 605462.
PTCH1-related disorder. Also called: PTCH1-related disorders; PTCH1-related condition.
Hereditary cancer-predisposing syndrome. Also called: Tumor predisposition; Neoplastic Syndromes, Hereditary; Hereditary Cancer Syndrome; Hereditary neoplastic syndrome. Identifiers: Orphanet 140162, MedGen C0027672, MeSH D009386, MONDO:0015356.

Allele frequency attached by ClinVar (database versions not stated): gnomAD 0.00001; TOPMed 0.00001; ExAC 0.00002; gnomAD exomes 0.00002 and 0.00003; ESP Exome Variant Server 0.00008.
gnomAD v4.1: 26 of 1,612,602 alleles (0.0016%); highest among the groups gnomAD compares: Non-Finnish European, 0.0021%; no homozygotes.

Submissions (5):

Labcorp Genetics (formerly Invitae), Labcorp
Classification: Likely benign for Gorlin syndrome. Last evaluated: 2025-12-06. Review status: criteria provided, single submitter. Criteria: Invitae Variant Classification Sherloc (09022015). Collection method: clinical testing. Allele origin: germline.

Ambry Genetics
Classification: Likely benign for Hereditary cancer-predisposing syndrome. Last evaluated: 2024-03-06. Review status: criteria provided, single submitter. Criteria: Ambry Variant Classification Scheme 2023. Collection method: clinical testing. Allele origin: germline.

Blueprint Genetics
Classification: Likely benign. Last evaluated: 2023-11-13. Review status: criteria provided, single submitter. Criteria: ACMG Guidelines, 2015. Collection method: clinical testing. Allele origin: germline.

Fulgent Genetics
Classification: Uncertain significance for Basal cell nevus syndrome 1; Basal cell carcinoma, susceptibility to, 1; Holoprosencephaly 7. Last evaluated: 2018-10-31. Review status: criteria provided, single submitter. Criteria: ACMG Guidelines, 2015. Collection method: clinical testing. Allele origin: unknown.

PreventionGenetics, part of Exact Sciences
Classification: Likely benign for PTCH1-related condition. Last evaluated: 2024-08-06. Review status: no assertion criteria provided. Collection method: clinical testing. Allele origin: germline. Not counted in ClinVar's aggregate classification.
Comment: This variant is classified as likely benign based on ACMG/AMP sequence variant interpretation guidelines (Richards et al. 2015 PMID: 25741868, with internal and published modifications).